The following is an entry in ClinVar:

NM_003482.4(KMT2D):c.4021-7C>G

Gene: KMT2D (lysine methyltransferase 2D; minus strand). Cytogenetic location: 12q13.12.
Variant type: single nucleotide variant.
Coding change: c.4021-7C>G on transcript NM_003482.4 (MANE Select); 7 bases into the intron before coding-DNA position 4021, C replaced by G.
Molecular consequence: intron variant.
Genome position (GRCh38, 1-based): chr12:49,048,776, G>C on the plus strand (C>G on the coding strand, the complement: KMT2D is on the minus strand). VCF-style: chr12-49048776-G-C. GRCh37 (hg19) VCF-style: chr12-49442559-G-C.
Other names: c.4021-7C>G (NM_003482.3).
Identifiers: ClinVar variation 2416679 (VCV002416679.9), dbSNP rs559441151, ClinGen allele CA236615539.

ClinVar aggregate classification (germline): Likely benign. Review status: criteria provided, multiple submitters, no conflicts (2 of 4 stars). 3 submissions from 3 submitters: Likely benign (2). 1 of the submissions does not count toward it. Last evaluated 2024-12-03.

Conditions:
Choanal atresia-athelia-hypothyroidism-delayed puberty-short stature syndrome (BCAHH). Also called: BRANCHIAL ARCH ABNORMALITIES, CHOANAL ATRESIA, ATHELIA, HEARING LOSS, AND HYPOTHYROIDISM SYNDROME. Identifiers: Orphanet 589856, MedGen C5680310, MONDO:0035651, OMIM 620186.
Kabuki syndrome 1 (KABUK1). Also called: KMT2D-Related Kabuki Syndrome. Identifiers: Orphanet 2322, MedGen CN030661, MONDO:0007843, OMIM 147920.
Kabuki syndrome. Also called: Kabuki make-up syndrome; NIIKAWA-KUROKI SYNDROME. Identifiers: Orphanet 2322, MedGen C0796004, MONDO:0016512.
KMT2D-related disorder. Also called: KMT2D-Related Disorders.

Allele frequency attached by ClinVar (database versions not stated): gnomAD 0.00002; TOPMed 0.00003; 1000 Genomes Project 0.00020.

Submissions (3):

Labcorp Genetics (formerly Invitae), Labcorp
Classification: Likely benign for Kabuki syndrome. Last evaluated: 2024-12-03. Review status: criteria provided, single submitter. Criteria: Invitae Variant Classification Sherloc (09022015). Collection method: clinical testing. Allele origin: germline.

Fulgent Genetics
Classification: Likely benign for Kabuki syndrome 1; Choanal atresia-athelia-hypothyroidism-delayed puberty-short stature syndrome. Last evaluated: 2024-06-04. Review status: criteria provided, single submitter. Criteria: ACMG Guidelines, 2015. Collection method: clinical testing. Allele origin: germline.

PreventionGenetics, part of Exact Sciences
Classification: Likely benign for KMT2D-related condition. Last evaluated: 2023-08-15. Review status: no assertion criteria provided. Collection method: clinical testing. Allele origin: germline. Not counted in ClinVar's aggregate classification.
Comment: This variant is classified as likely benign based on ACMG/AMP sequence variant interpretation guidelines (Richards et al. 2015 PMID: 25741868, with internal and published modifications).